The following is an entry in ClinVar:

ClinVar aggregate classification (germline): Benign/Likely benign. Review status: criteria provided, multiple submitters, no conflicts (2 of 4 stars). 9 submissions from 9 submitters: Benign (1); Likely benign (8). Last evaluated 2025-12-16.

Conditions:
Hereditary cancer-predisposing syndrome. Also called: Hereditary neoplastic syndrome; Neoplastic Syndromes, Hereditary; Tumor predisposition; Hereditary Cancer Syndrome. Identifiers: Orphanet 140162, MedGen C0027672, MeSH D009386, MONDO:0015356.
Familial cancer of breast. Also called: BREAST CANCER, FAMILIAL; Hereditary breast cancer; hereditary breast carcinoma. Identifiers: Orphanet 227535, MedGen C0346153, MONDO:0016419, OMIM 114480. Disease mechanism: loss of function.

Allele frequency attached by ClinVar (database versions not stated): gnomAD exomes below 0.00001 and 0.00001; ExAC 0.00001; gnomAD 0.00001; TOPMed 0.00002; 1000 Genomes Project 0.00020; 1000 Genomes Project 30x 0.00031.
gnomAD v4.1: 8 of 1,614,172 alleles (0.0005%); highest among the groups gnomAD compares: Admixed American, 0.0017%; no homozygotes.

Submissions (9):

Labcorp Genetics (formerly Invitae), Labcorp
Classification: Likely benign for Familial cancer of breast. Last evaluated: 2025-12-16. Review status: criteria provided, single submitter. Criteria: Invitae Variant Classification Sherloc (09022015). Collection method: clinical testing. Allele origin: germline.

Institute for Biomarker Research, Medical Diagnostic Laboratories, L.L.C.
Classification: Likely benign for Hereditary cancer-predisposing syndrome. Last evaluated: 2025-05-27. Review status: criteria provided, single submitter. Criteria: ACMG Guidelines, 2015. Collection method: clinical testing. Allele origin: germline.
Comment: The synonymous variant NM_000465.4(BARD1):c.2178C>T (p.Pro726=) has been reported to ClinVar as Benign/Likely benign with a status of (2 stars) criteria provided, multiple submitters, no conflicts (Variation ID 215748 as of 2025-05-01). The variant is observed in one or more well-documented healthy adults. The p.Pro726= variant is not predicted to disrupt an existing splice site. The p.Pro726= variant results in a substitution of a base that is not predicted conserved by GERP++ and PhyloP. For these reasons, this variant has been classified as Likely Benign.

Center for Genomic Medicine, Rigshospitalet, Copenhagen University Hospital
Classification: Likely benign. Last evaluated: 2025-03-04. Review status: criteria provided, single submitter. Criteria: ACMG Guidelines, 2015. Collection method: clinical testing. Allele origin: germline.

Molecular Diagnostics Laboratory, Catalan Institute of Oncology
Classification: Likely benign for Hereditary cancer-predisposing syndrome. Last evaluated: 2024-12-08. Review status: criteria provided, single submitter. Criteria: ACMG Guidelines, 2015. Collection method: clinical testing. Allele origin: germline.
Comment: PM2_supporting, BP4, BP7 c.2178C>T located in exon 11 of the BARD1 gene, is predicted to result in no amino acid change, p.(Pro726=)(BP7). This variant is found in 2/268185 in the gnomAD v2.1.1 database (non-cancer data set) (PM2_Supporting). The SpliceAI algorithm predicts no significant impact on splicing (BP4). The variant has been identified in the ClinVar (6x likely benign, 1x benign) but it has not been identified in LOVD database. Based on currently available information, the variant c.2178C>T is classified as a likely benign variant according to ACMG guidelines.

Myriad Genetics, Inc.
Classification: Benign for Familial cancer of breast. Last evaluated: 2024-07-30. Review status: criteria provided, single submitter. Criteria: Myriad Autosomal Dominant, Autosomal Recessive and X-Linked Classification Criteria (2023). Collection method: clinical testing. Allele origin: unknown.
Comment: This variant is considered benign. This variant is a silent/synonymous amino acid change and it is not expected to impact splicing.

Sema4
Classification: Likely benign for Hereditary cancer-predisposing syndrome. Last evaluated: 2021-09-10. Review status: criteria provided, single submitter. Criteria: Sema4 Curation Guidelines. Collection method: curation. Allele origin: germline.

GeneDx
Classification: Likely benign. Last evaluated: 2019-10-14. Review status: criteria provided, single submitter. Criteria: GeneDx Variant Classification Process June 2021. Collection method: clinical testing. Allele origin: germline. Affected: yes.

Color Diagnostics, LLC DBA Color Health
Classification: Likely benign for Hereditary cancer-predisposing syndrome. Last evaluated: 2018-11-26. Review status: criteria provided, single submitter. Criteria: ACMG Guidelines, 2015. Collection method: clinical testing. Allele origin: germline.

Ambry Genetics
Classification: Likely benign for Hereditary cancer-predisposing syndrome. Last evaluated: 2014-11-05. Review status: criteria provided, single submitter. Criteria: Ambry Variant Classification Scheme 2023. Collection method: clinical testing. Allele origin: germline.

NM_000465.4(BARD1):c.2178C>T (p.Pro726=)

Gene: BARD1 (BRCA1 associated RING domain 1; minus strand). Cytogenetic location: 2q35.
Variant type: single nucleotide variant.
Coding change: c.2178C>T on transcript NM_000465.4 (MANE Select); coding-DNA position 2178, C replaced by T.
Protein change: p.Pro726=; no amino-acid change (proline 726 retained).
Molecular consequence: synonymous variant. On other transcripts: non-coding transcript variant (3).
Genome position (GRCh38, 1-based): chr2:214,728,832, G>A on the plus strand (C>T on the coding strand, the complement: BARD1 is on the minus strand). VCF-style: chr2-214728832-G-A. GRCh37 (hg19) VCF-style: chr2-215593556-G-A.
Other names: c.2121C>T, p.Pro707= (NM_001282543.2); c.825C>T, p.Pro275= (NM_001282545.2); c.768C>T, p.Pro256= (NM_001282548.2); c.639C>T, p.Pro213= (NM_001282549.2).
Identifiers: ClinVar variation 215748 (VCV000215748.25), dbSNP rs201873551, ClinGen allele CA338985.